The following is an entry in ClinVar:

ClinVar aggregate classification (germline): Likely benign (1 of 4 stars; one submission).

Submission:

GeneDx
Classification: Likely benign. Last evaluated: 2017-01-04. Review status: criteria provided, single submitter. Criteria: GeneDx Variant Classification (06012015). Collection method: clinical testing. Allele origin: germline. Affected: yes.
Comment: This variant is considered likely benign or benign based on one or more of the following criteria: it is a conservative change, it occurs at a poorly conserved position in the protein, it is predicted to be benign by multiple in silico algorithms, and/or has population frequency not consistent with disease.

NM_000169.2(GLA):c.-44C>G

Genes: GLA (galactosidase alpha; minus strand), RPL36A-HNRNPH2 (RPL36A-HNRNPH2 readthrough; plus strand). Cytogenetic location: Xq22.1.
Variant type: single nucleotide variant.
Coding change: c.-44C>G on transcript NM_000169.2; 44 bases upstream of the start codon, C replaced by G.
Molecular consequence: intron variant (on NM_001199973.2).
Genome position (GRCh38, 1-based): chrX:101,407,947, G>C on the plus strand (C>G on the coding strand, the complement: GLA is on the minus strand). VCF-style: chrX-101407947-G-C. GRCh37 (hg19) VCF-style: chrX-100662935-G-C.
Other names: c.301-3989G>C (NM_001199973.2); c.178-3989G>C (NM_001199974.2).
Identifiers: ClinVar variation 222100 (VCV000222100.3), dbSNP rs781906252, ClinGen allele CA352397.
Genomic context (GRCh38, chrX:101,407,947, plus strand): 5'-GGGTTCCTCAGCTGCATTGTCACGGTGACCGGACAGCATAAATTTCCGCGGGTAACCTGG[G>C]CTTTTAAGATTAACCTCAGGGGCGGACCAATCACCGATGACTTATTAAATAATGACGTTA-3'